The following is an entry in ClinVar:

ClinVar aggregate classification (germline): Uncertain significance (1 of 4 stars; one submission).

Submission:

Labcorp Genetics (formerly Invitae), Labcorp
Classification: Uncertain significance. Last evaluated: 2022-04-07. Review status: criteria provided, single submitter. Criteria: Invitae Variant Classification Sherloc (09022015). Collection method: clinical testing. Allele origin: germline.
Comment: This sequence change replaces arginine, which is basic and polar, with lysine, which is basic and polar, at codon 272 of the MCM4 protein (p.Arg272Lys). In summary, the available evidence is currently insufficient to determine the role of this variant in disease. Therefore, it has been classified as a Variant of Uncertain Significance. Algorithms developed to predict the effect of missense changes on protein structure and function (SIFT, PolyPhen-2, Align-GVGD) all suggest that this variant is likely to be disruptive. This variant has not been reported in the literature in individuals affected with MCM4-related conditions. This variant is not present in population databases (gnomAD no frequency).

NM_182746.3(MCM4):c.815G>A (p.Arg272Lys)

Gene: MCM4 (minichromosome maintenance complex component 4; plus strand). Cytogenetic location: 8q11.21.
Variant type: single nucleotide variant.
Coding change: c.815G>A on transcript NM_182746.3 (MANE Select); coding-DNA position 815, G replaced by A.
Protein change: p.Arg272Lys; replaces arginine 272 with lysine.
Molecular consequence: missense variant.
Genome position (GRCh38, 1-based): chr8:47,964,695, G>A. VCF-style: chr8-47964695-G-A. GRCh37 (hg19) VCF-style: chr8-48877255-G-A.
Other names: c.815G>A, p.Arg272Lys (NM_005914.4); short protein forms R272K.
Identifiers: ClinVar variation 1380895 (VCV001380895.8), dbSNP rs2154505088, ClinGen allele CA371148050.